The following is an entry in ClinVar:

NM_004260.4(RECQL4):c.2241C>T (p.Gly747=)

Gene: RECQL4 (RecQ like helicase 4; minus strand). Cytogenetic location: 8q24.3.
Variant type: single nucleotide variant.
Coding change: c.2241C>T on transcript NM_004260.4 (MANE Select); coding-DNA position 2241, C replaced by T.
Protein change: p.Gly747=; no amino-acid change (glycine 747 retained).
Molecular consequence: synonymous variant.
Genome position (GRCh38, 1-based): chr8:144,513,440, G>A on the plus strand (C>T on the coding strand, the complement: RECQL4 is on the minus strand). VCF-style: chr8-144513440-G-A. GRCh37 (hg19) VCF-style: chr8-145738824-G-A.
Identifiers: ClinVar variation 1038823 (VCV001038823.4), dbSNP rs957407351, ClinGen allele CA463567059.

ClinVar aggregate classification (germline): Uncertain significance (1 of 4 stars; one submission).

Conditions:
Baller-Gerold syndrome (BGS). Also called: CRANIOSYNOSTOSIS WITH RADIAL DEFECTS. Identifiers: Orphanet 1225, MedGen C0265308, MONDO:0009039, OMIM 218600.

gnomAD v4.1: 6 of 1,609,576 alleles (0.00037%); highest among the groups gnomAD compares: Non-Finnish European, 0.00051%; no homozygotes.

Submission:

Labcorp Genetics (formerly Invitae), Labcorp
Classification: Uncertain significance for Baller-Gerold syndrome. Last evaluated: 2023-07-07. Review status: criteria provided, single submitter. Criteria: Invitae Variant Classification Sherloc (09022015). Collection method: clinical testing. Allele origin: germline.
Comment: In summary, the available evidence is currently insufficient to determine the role of this variant in disease. Therefore, it has been classified as a Variant of Uncertain Significance. Algorithms developed to predict the effect of sequence changes on RNA splicing suggest that this variant may disrupt the consensus splice site. ClinVar contains an entry for this variant (Variation ID: 1038823). This variant has not been reported in the literature in individuals affected with RECQL4-related conditions. The frequency data for this variant in the population databases is considered unreliable, as metrics indicate poor data quality at this position in the gnomAD database. This sequence change affects codon 747 of the RECQL4 mRNA. It is a 'silent' change, meaning that it does not change the encoded amino acid sequence of the RECQL4 protein.